The following is an entry in ClinVar:

ClinVar aggregate classification (germline): Uncertain significance (1 of 4 stars; one submission).

Conditions:
Hereditary cancer-predisposing syndrome. Also called: Neoplastic Syndromes, Hereditary; Tumor predisposition; Hereditary neoplastic syndrome; Hereditary Cancer Syndrome. Identifiers: Orphanet 140162, MedGen C0027672, MeSH D009386, MONDO:0015356.

Submission:

Ambry Genetics
Classification: Uncertain significance for Hereditary cancer-predisposing syndrome. Last evaluated: 2024-04-17. Review status: criteria provided, single submitter. Criteria: Ambry Variant Classification Scheme 2023. Collection method: clinical testing. Allele origin: germline.
Comment: The p.D1448E variant (also known as c.4344C>G), located in coding exon 30 of the SMARCA4 gene, results from a C to G substitution at nucleotide position 4344. The aspartic acid at codon 1448 is replaced by glutamic acid, an amino acid with highly similar properties. This amino acid position is conserved. In addition, this alteration is predicted to be tolerated by in silico analysis. Based on the available evidence, the clinical significance of this variant remains unclear.

NM_003072.5(SMARCA4):c.4248C>G (p.Asp1416Glu)

Gene: SMARCA4 (SWI/SNF related BAF chromatin remodeling complex subunit ATPase 4; plus strand). Cytogenetic location: 19p13.2.
Variant type: single nucleotide variant.
Coding change: c.4248C>G on transcript NM_003072.5 (MANE Select); coding-DNA position 4248, C replaced by G.
Protein change: p.Asp1416Glu; replaces aspartic acid 1416 with glutamic acid.
Molecular consequence: missense variant. On other transcripts: non-coding transcript variant (1).
Genome position (GRCh38, 1-based): chr19:11,041,384, C>G. VCF-style: chr19-11041384-C-G. GRCh37 (hg19) VCF-style: chr19-11152060-C-G.
Other names: c.4245C>G, p.Asp1415Glu (NM_001411150.1); c.4248C>G, p.Asp1416Glu (NM_001128844.3); c.4158C>G, p.Asp1386Glu (NM_001128845.2, NM_001128846.2); c.4149C>G, p.Asp1383Glu (NM_001128847.4, NM_001128848.2, NM_001374457.1); c.4344C>G, p.Asp1448Glu (NM_001128849.3, NM_001387283.1); short protein forms D1383E, D1386E, D1416E, D1415E, D1448E.
Identifiers: ClinVar variation 3320724 (VCV003320724.1).